The following is an entry in ClinVar:

NM_000397.4(CYBB):c.461A>G (p.Asn154Ser)

Gene: CYBB (cytochrome b-245 beta chain; plus strand). Cytogenetic location: Xp21.1.
Variant type: single nucleotide variant.
Coding change: c.461A>G on transcript NM_000397.4 (MANE Select); coding-DNA position 461, A replaced by G.
Protein change: p.Asn154Ser; replaces asparagine 154 with serine.
Molecular consequence: missense variant.
Genome position (GRCh38, 1-based): chrX:37,793,788, A>G. VCF-style: chrX-37793788-A-G. GRCh37 (hg19) VCF-style: chrX-37653041-A-G.
Other names: short protein forms N154S.
Identifiers: ClinVar variation 4800995 (VCV004800995.1).
Genomic context (GRCh38, chrX:37,793,788, plus strand): 5'-CTGATCCTTATTCAGTAGCACTCTCTGAACTTGGAGACAGGCAAAATGAAAGTTATCTCA[A>G]TTTTGCTCGAAAGAGAATAAAGGTAAGCCTCTCATTATCTGACTTAGATATTCTCTAGGC-3'
Protein context (NP_000388.2, residues 144-164): LGDRQNESYL[Asn154Ser]FARKRIKNPE

ClinVar aggregate classification (germline): Uncertain significance (1 of 4 stars; one submission).

Conditions:
Granulomatous disease, chronic, X-linked. Also called: CYTOCHROME b-NEGATIVE GRANULOMATOUS DISEASE, CHRONIC, X-LINKED; GRANULOMATOUS DISEASE, CHRONIC, X-LINKED, SOMATIC MOSAIC. Identifiers: Orphanet 379, MedGen C1844376, MONDO:0010600, OMIM 306400.

gnomAD v4.1: 1 of 1,207,473 alleles (0.000083%); highest among the groups gnomAD compares: Non-Finnish European, 0.00011%; no homozygotes.

Submission:

Labcorp Genetics (formerly Invitae), Labcorp
Classification: Uncertain significance for Granulomatous disease, chronic, X-linked. Last evaluated: 2025-12-31. Review status: criteria provided, single submitter. Criteria: Invitae Variant Classification Sherloc (09022015). Collection method: clinical testing. Allele origin: germline.
Comment: This sequence change replaces asparagine, which is neutral and polar, with serine, which is neutral and polar, at codon 154 of the CYBB protein (p.Asn154Ser). This variant is not present in population databases (gnomAD no frequency). This variant has not been reported in the literature in individuals affected with CYBB-related conditions. Invitae Evidence Modeling of protein sequence and biophysical properties (such as structural, functional, and spatial information, amino acid conservation, physicochemical variation, residue mobility, and thermodynamic stability) has been performed for this missense variant. However, the output from this modeling did not meet the statistical confidence thresholds required to predict the impact of this variant on CYBB protein function. In summary, the available evidence is currently insufficient to determine the role of this variant in disease. Therefore, it has been classified as a Variant of Uncertain Significance.